The following is an entry in ClinVar:

ClinVar aggregate classification (germline): Uncertain significance (1 of 4 stars; one submission).

Submission:

Labcorp Genetics (formerly Invitae), Labcorp
Classification: Uncertain significance. Last evaluated: 2022-02-23. Review status: criteria provided, single submitter. Criteria: Invitae Variant Classification Sherloc (09022015). Collection method: clinical testing. Allele origin: germline.
Comment: In summary, the available evidence is currently insufficient to determine the role of this variant in disease. Therefore, it has been classified as a Variant of Uncertain Significance. Algorithms developed to predict the effect of missense changes on protein structure and function (SIFT, PolyPhen-2, Align-GVGD) all suggest that this variant is likely to be tolerated. This variant has not been reported in the literature in individuals affected with ADAMTSL4-related conditions. This variant is not present in population databases (gnomAD no frequency). This sequence change replaces proline, which is neutral and non-polar, with threonine, which is neutral and polar, at codon 657 of the ADAMTSL4 protein (p.Pro657Thr).

NM_019032.6(ADAMTSL4):c.1969C>A (p.Pro657Thr)

Genes: ADAMTSL4 (ADAMTS like 4; plus strand), ADAMTSL4-AS2 (ADAMTSL4 antisense RNA 2; minus strand). Cytogenetic location: 1q21.2.
Variant type: single nucleotide variant.
Coding change: c.1969C>A on transcript NM_019032.6 (MANE Select); coding-DNA position 1969, C replaced by A.
Protein change: p.Pro657Thr; replaces proline 657 with threonine.
Molecular consequence: missense variant. On other transcripts: intron variant (1).
Genome position (GRCh38, 1-based): chr1:150,557,257, C>A. VCF-style: chr1-150557257-C-A. GRCh37 (hg19) VCF-style: chr1-150529733-C-A.
Other names: c.1969C>A, p.Pro657Thr (NM_025008.5, NM_001378596.1); c.1857-5C>A (NM_001288607.2); c.2038C>A, p.Pro680Thr (NM_001288608.2); short protein forms P657T, P680T.
Identifiers: ClinVar variation 2121710 (VCV002121710.2), dbSNP rs2526728933, ClinGen allele CA342313680.
Genomic context (GRCh38, chr1:150,557,257, plus strand): 5'-CGGACCCCAGGCACCCTCCAGCGTCAGGTGCGGATCCCCCAGATGCCCGCCCCGCCCCAT[C>A]CCAGGACACCCCTGGGGTCTCCAGCTGCGTACTGGAAACGAGTGGGACACTCTGCATGCT-3'
Protein context (NP_061905.2, residues 647-667): RIPQMPAPPH[Pro657Thr]RTPLGSPAAY